The following is an entry in ClinVar:

ClinVar aggregate classification (germline): Uncertain significance (1 of 4 stars; one submission).

Conditions:
Focal segmental glomerulosclerosis 5 (FSGS5). Identifiers: Orphanet 656, MedGen C2750475, MONDO:0013191, OMIM 613237.
Charcot-Marie-Tooth disease dominant intermediate E. Also called: CHARCOT-MARIE-TOOTH NEUROPATHY WITH FOCAL SEGMENTAL GLOMERULONEPHRITIS. Identifiers: Orphanet 93114, MedGen C4302667, MONDO:0013758, OMIM 614455.

Allele frequency attached by ClinVar (database versions not stated): gnomAD exomes 0.00001.
gnomAD v4.1: 4 of 928,168 alleles (0.00043%); highest among the groups gnomAD compares: Non-Finnish European, 0.00058%; no homozygotes.

Submission:

Labcorp Genetics (formerly Invitae), Labcorp
Classification: Uncertain significance for Charcot-Marie-Tooth disease dominant intermediate E; Focal segmental glomerulosclerosis 5. Last evaluated: 2019-10-31. Review status: criteria provided, single submitter. Criteria: Invitae Variant Classification Sherloc (09022015). Collection method: clinical testing. Allele origin: germline.
Comment: In summary, the available evidence is currently insufficient to determine the role of this variant in disease. Therefore, it has been classified as a Variant of Uncertain Significance. Algorithms developed to predict the effect of missense changes on protein structure and function output the following: SIFT: "Tolerated"; PolyPhen-2: "Not Available"; Align-GVGD: "Class C0". The leucine amino acid residue is found in multiple mammalian species, suggesting that this missense change does not adversely affect protein function. These predictions have not been confirmed by published functional studies and their clinical significance is uncertain. This variant has not been reported in the literature in individuals with INF2-related conditions. The frequency data for this variant in the population databases is considered unreliable, as metrics indicate insufficient coverage at this position in the ExAC database. This sequence change replaces proline with leucine at codon 423 of the INF2 protein (p.Pro423Leu). The proline residue is moderately conserved and there is a moderate physicochemical difference between proline and leucine.

NM_022489.4(INF2):c.1268C>T (p.Pro423Leu)

Gene: INF2 (inverted formin 2; plus strand). Cytogenetic location: 14q32.33.
Variant type: single nucleotide variant.
Coding change: c.1268C>T on transcript NM_022489.4 (MANE Select); coding-DNA position 1268, C replaced by T.
Protein change: p.Pro423Leu; replaces proline 423 with leucine.
Molecular consequence: missense variant.
Genome position (GRCh38, 1-based): chr14:104,707,535, C>T. VCF-style: chr14-104707535-C-T. GRCh37 (hg19) VCF-style: chr14-105173872-C-T.
Other names: c.1268C>T, p.Pro423Leu (NM_001031714.4); short protein forms P423L.
Identifiers: ClinVar variation 968417 (VCV000968417.9), dbSNP rs1263040681, ClinGen allele CA391216402.
Genomic context (GRCh38, chr14:104,707,535, plus strand): 5'-AGAGCATCCTGAAAGTTTCGCAGCCCAGAGCCCTGGAGCAGCAGGCGTCCACCCCACCCC[C>T]ACCCCCACCCCCACCCCTGCTCCCTGGTTCCAGTGCCGAGCCCCCTCCCCCTCCCCCACC-3'
Protein context (NP_071934.3, residues 413-433): ALEQQASTPP[Pro423Leu]PPPPPLLPGS